The following is an entry in ClinVar:

ClinVar aggregate classification (germline): Uncertain significance (1 of 4 stars; one submission).

Submission:

GeneDx
Classification: Uncertain significance. Last evaluated: 2024-06-06. Review status: criteria provided, single submitter. Criteria: GeneDx Variant Classification Process June 2021. Collection method: clinical testing. Allele origin: germline. Affected: yes.
Comment: Not observed at significant frequency in large population cohorts (gnomAD); In silico analysis supports that this missense variant has a deleterious effect on protein structure/function; Has not been previously published as pathogenic or benign to our knowledge

NM_006618.5(KDM5B):c.1672C>T (p.Pro558Ser)

Gene: KDM5B (lysine demethylase 5B; minus strand). Cytogenetic location: 1q32.1.
Variant type: single nucleotide variant.
Coding change: c.1672C>T on transcript NM_006618.5 (MANE Select); coding-DNA position 1672, C replaced by T.
Protein change: p.Pro558Ser; replaces proline 558 with serine.
Molecular consequence: missense variant.
Genome position (GRCh38, 1-based): chr1:202,752,934, G>A on the plus strand (C>T on the coding strand, the complement: KDM5B is on the minus strand). VCF-style: chr1-202752934-G-A. GRCh37 (hg19) VCF-style: chr1-202722062-G-A.
Other names: c.1780C>T, p.Pro594Ser (NM_001314042.2); c.1537C>T, p.Pro513Ser (NM_001347591.2); c.1657C>T, p.Pro553Ser (NM_001399817.1); short protein forms P513S, P553S, P558S, P594S.
Identifiers: ClinVar variation 3384643 (VCV003384643.1).
Genomic context (GRCh38, chr1:202,752,934, plus strand): 5'-TGAGTGGCAGGAGGATTAACCCAGAACATACAGGCACTTCATGAGTCATCAGGGTATTGG[G>A]GTTCATGATGGTCACAAGCTGATGGAGGAGATCCGGCTGGGACACAAAGAGTTCTGGAGC-3'
Protein context (NP_006609.3, residues 548-568): LLHQLVTIMN[Pro558Ser]NTLMTHEVPV